The following is an entry in ClinVar:

ClinVar aggregate classification (germline): Uncertain significance. Review status: criteria provided, multiple submitters, no conflicts (2 of 4 stars). 6 submissions from 6 submitters: Uncertain significance (6). Last evaluated 2025-12-24.

Conditions:
Hepatocellular carcinoma (HCC). Also called: Primary carcinoma of liver; HEPATOMA; LIVER CELL CARCINOMA. Identifiers: Orphanet 88673, MedGen C2239176, MONDO:0007256, OMIM 114550, HP:0001402.
Colorectal cancer. Also called: Colorectal cancer, somatic; Malignant Colorectal Neoplasm. Identifiers: MedGen C0346629, MONDO:0005575, OMIM 114500.
Gastric cancer. Also called: Stomach cancer; Malignant tumor of stomach. Identifiers: MedGen C0024623, MeSH D013274, MONDO:0001056, OMIM 613659, HP:0012126.
Desmoid disease, hereditary (DESMD). Also called: FIBROMATOSIS, FAMILIAL INFILTRATIVE. Identifiers: Orphanet 873, MedGen C1851124, OMIM 135290. Disease mechanism: loss of function.
Familial adenomatous polyposis 1 (FAP1). Also called: POLYPOSIS, ADENOMATOUS INTESTINAL; FAMILIAL ADENOMATOUS POLYPOSIS 1, ATTENUATED. Identifiers: MedGen C2713442, MONDO:0021056, OMIM 175100. Disease mechanism: loss of function.
Gastric adenocarcinoma and proximal polyposis of the stomach (GAPPS). Also called: POLYPOSIS, GASTRIC; Polyposis, gastric, Dos Santos and de Magalhaes 1980; Gastric Adenocarcinoma and Proximal Polyposis of the Stomach (GAPPS). Identifiers: Orphanet 314022, MedGen C4749917, MONDO:0017790, OMIM 619182.
Classic or attenuated familial adenomatous polyposis. Identifiers: MedGen CN372698, MONDO:0021057.
Hereditary cancer-predisposing syndrome. Also called: Neoplastic Syndromes, Hereditary; Hereditary Cancer Syndrome; Hereditary neoplastic syndrome; Tumor predisposition. Identifiers: Orphanet 140162, MedGen C0027672, MeSH D009386, MONDO:0015356.

gnomAD v4.1: 5 of 1,613,756 alleles (0.00031%); highest among the groups gnomAD compares: Non-Finnish European, 0.00042%; no homozygotes.

Submissions (6):

Labcorp Genetics (formerly Invitae), Labcorp
Classification: Uncertain significance for Familial adenomatous polyposis 1. Last evaluated: 2025-12-24. Review status: criteria provided, single submitter. Criteria: Invitae Variant Classification Sherloc (09022015). Collection method: clinical testing. Allele origin: germline.
Comment: This sequence change replaces aspartic acid, which is acidic and polar, with asparagine, which is neutral and polar, at codon 78 of the APC protein (p.Asp78Asn). This variant is not present in population databases (gnomAD no frequency). This variant has not been reported in the literature in individuals affected with APC-related conditions. ClinVar contains an entry for this variant (Variation ID: 821110). Invitae Evidence Modeling of protein sequence and biophysical properties (such as structural, functional, and spatial information, amino acid conservation, physicochemical variation, residue mobility, and thermodynamic stability) indicates that this missense variant is not expected to disrupt APC protein function with a negative predictive value of 95%. In summary, the available evidence is currently insufficient to determine the role of this variant in disease. Therefore, it has been classified as a Variant of Uncertain Significance.

Color Diagnostics, LLC DBA Color Health
Classification: Uncertain significance for Hereditary cancer-predisposing syndrome. Last evaluated: 2025-09-30. Review status: criteria provided, single submitter. Criteria: ACMG Guidelines, 2015. Collection method: clinical testing. Allele origin: germline.
Comment: This missense variant replaces aspartic acid with asparagine at codon 78 of the APC protein. Computational prediction suggests that this variant may not impact protein structure and function. APC is defined as a gene for which primarily truncating variants are known to cause disease (ClinGen HCCP VCEP). To our knowledge, functional studies have not been reported for this variant. This variant has not been reported in individuals affected with APC-related disorders in the literature. This variant has been identified in 5/1461470 chromosomes in the general population by the Genome Aggregation Database (gnomAD). The available evidence is insufficient to determine the role of this variant in disease conclusively. Therefore, this variant is classified as a Variant of Uncertain Significance.

Fulgent Genetics
Classification: Uncertain significance for Colorectal cancer; Hepatocellular carcinoma; Desmoid disease, hereditary; Familial adenomatous polyposis 1; Gastric cancer; Gastric adenocarcinoma and proximal polyposis of the stomach. Last evaluated: 2024-06-18. Review status: criteria provided, single submitter. Criteria: ACMG Guidelines, 2015. Collection method: clinical testing. Allele origin: germline.

GeneDx
Classification: Uncertain significance. Last evaluated: 2024-03-04. Review status: criteria provided, single submitter. Criteria: GeneDx Variant Classification Process June 2021. Collection method: clinical testing. Allele origin: germline. Affected: yes.
Comment: Not observed at significant frequency in large population cohorts (gnomAD); In silico analysis supports that this missense variant has a deleterious effect on protein structure/function; Has not been previously published as pathogenic or benign to our knowledge

Ambry Genetics
Classification: Uncertain significance for Hereditary cancer-predisposing syndrome. Last evaluated: 2023-11-21. Review status: criteria provided, single submitter. Criteria: Ambry Variant Classification Scheme 2023. Collection method: clinical testing. Allele origin: germline.
Comment: The p.D78N variant (also known as c.232G>A), located in coding exon 3 of the APC gene, results from a G to A substitution at nucleotide position 232. The aspartic acid at codon 78 is replaced by asparagine, an amino acid with highly similar properties. This amino acid position is well conserved in available vertebrate species. In addition, in silico predictors for this gene do not accurately predict pathogenicity. Since supporting evidence is limited at this time, the clinical significance of this alteration remains unclear.

All of Us Research Program, National Institutes of Health
Classification: Uncertain significance for Classic or attenuated familial adenomatous polyposis. Last evaluated: 2023-02-24. Review status: criteria provided, single submitter. Criteria: ACMG Guidelines, 2015. Collection method: clinical testing. Allele origin: germline. Inheritance: Autosomal dominant inheritance. Observed: 1 variant allele, 1 heterozygote.
Comment: This missense variant replaces aspartic acid with asparagine at codon 78 of the APC protein. Computational prediction suggests that this variant may not impact protein structure and function (internally defined REVEL score threshold <= 0.5, PMID: 27666373). To our knowledge, functional studies have not been reported for this variant. This variant has not been reported in individuals affected with APC-related disorders in the literature. This variant has not been identified in the general population by the Genome Aggregation Database (gnomAD). The available evidence is insufficient to determine the role of this variant in disease conclusively. Therefore, this variant is classified as a Variant of Uncertain Significance.

This study involves interpretation of variants in research participants for the purpose of population health screening. Participant phenotype was not available at the time of variant classification. Additional details can be found in publication PMID: 35346344, PMCID: PMC8962531

NM_000038.6(APC):c.232G>A (p.Asp78Asn)

Gene: APC (APC regulator of Wnt signaling pathway; plus strand). Cytogenetic location: 5q22.2.
Variant type: single nucleotide variant.
Coding change: c.232G>A on transcript NM_000038.6 (MANE Select); coding-DNA position 232, G replaced by A.
Protein change: p.Asp78Asn; replaces aspartic acid 78 with asparagine.
Molecular consequence: missense variant. On other transcripts: 5 prime UTR variant (1).
Genome position (GRCh38, 1-based): chr5:112,767,200, G>A. VCF-style: chr5-112767200-G-A. GRCh37 (hg19) VCF-style: chr5-112102897-G-A.
Other names: c.232G>A, p.Asp78Asn (NM_001127510.3, NM_001354895.2, NM_001354896.2 and 2 more transcripts); c.262G>A, p.Asp88Asn (NM_001127511.3, NM_001354897.2, NM_001354902.2); c.157G>A, p.Asp53Asn (NM_001354898.2, NM_001354904.2); c.55G>A, p.Asp19Asn (NM_001354900.2, NM_001354901.2, NM_001354905.2); c.-804G>A (NM_001354906.2); short protein forms D19N, D78N, D88N, D53N.
Identifiers: ClinVar variation 821110 (VCV000821110.17), dbSNP rs1253209514, ClinGen allele CA16021848.